The following is an entry in ClinVar:

NM_078480.3(PUF60):c.1042del (p.Leu348fs)

Gene: PUF60 (poly(U) binding splicing factor 60; minus strand). Cytogenetic location: 8q24.3.
Variant type: Deletion.
Coding change: c.1042del on transcript NM_078480.3 (MANE Select); coding-DNA position 1042, one base deleted (C; older notation c.1042delC).
Protein change: p.Leu348fs; shifts the reading frame from leucine 348.
Molecular consequence: frameshift variant.
Genome position (GRCh38, 1-based): chr8:143,817,433, G deleted on the plus strand (C on the coding strand, the reverse complement: PUF60 is on the minus strand); the first of 3 consecutive G bases (chr8:143,817,433-143,817,435); deleting any one gives the same sequence. VCF-style (leftmost placement, unchanged base first): chr8-143817432-AG-A. GRCh37 (hg19) VCF-style: chr8-144899602-AG-A.
Other names: c.913del, p.Leu305fs (NM_001136033.3); c.988del, p.Leu330fs (NM_001271096.2); c.904del, p.Leu302fs (NM_001271097.2); c.1039del, p.Leu347fs (NM_001271098.2); c.955del, p.Leu319fs (NM_001271099.2); c.862del, p.Leu288fs (NM_001271100.2); c.1153del, p.Leu385fs (NM_001362895.2, NM_001362896.2); c.1102del, p.Leu368fs (NM_001362897.2); and 1 more; short protein forms L331fs, L348fs, L385fs, L288fs, L305fs, L347fs, L302fs, L319fs.
Identifiers: ClinVar variation 4995309 (VCV004995309.1).

ClinVar aggregate classification (germline): Likely pathogenic (1 of 4 stars; one submission).

Conditions:
PUF60-related disorder. Also called: PUF60-related condition.

Submission:

PreventionGenetics, part of Exact Sciences
Classification: Likely pathogenic for PUF60-related condition. Last evaluated: 2026-01-30. Review status: criteria provided, single submitter. Criteria: ACMG Guidelines, 2015. Collection method: clinical testing. Allele origin: germline.
Comment: The PUF60 c.1042delC variant is predicted to result in a frameshift and premature protein termination (p.Leu348Trpfs*11). To our knowledge, this variant has not been reported in the literature or in a large population database (gnomAD), indicating this variant is rare. Frameshift variants in PUF60 are expected to be pathogenic. This variant is interpreted as likely pathogenic.